The following is an entry in ClinVar:

Single allele

Gene: DMD (dystrophin; minus strand). Cytogenetic location: Xp21.1.
Variant type: Complex.
Identifiers: ClinVar variation 4845206 (VCV004845206.1).

ClinVar aggregate classification (germline): Likely pathogenic (0 of 4 stars; one submission).

Conditions:
Dilated cardiomyopathy 3B (CMD3B). Also called: CMD3B: DMD-Related Dilated Cardiomyopathy; CARDIOMYOPATHY, DILATED, X-LINKED; DMD-Associated Dilated Cardiomyopathy. Identifiers: Orphanet 154, MedGen C3668940, MONDO:0010542, OMIM 302045.

Submission:

Neurology Department, Shenzhen Children's Hospital
Classification: Likely pathogenic for Dilated cardiomyopathy 3B. Last evaluated: 2025-03-11. Review status: no assertion criteria provided. Collection method: clinical testing. Allele origin: de novo. Inheritance: X-linked dominant inheritance. Affected: yes.
Comment: The variant located in intron 1 of DMD. This variant was not reported in population-based cohorts in the Genome Aggregation Database (gnomAD). RNA sequencing revealed no expression of the mutated allele of the DMD gene, leading to loss of function of this allele.